The following is an entry in ClinVar:

ClinVar aggregate classification (germline): Uncertain significance (1 of 4 stars; one submission).

Submission:

ISCA site 4
Classification: Uncertain significance. Last evaluated: 2011-08-12. Review status: criteria provided, single submitter. Criteria: Kaminsky et al. (Genet Med. 2011). Collection method: clinical testing. Allele origin: maternal. Affected: yes. Observed: 1 variant allele.
Comment: Copy number variation identified through the course of routine clinical cytogenomic testing in postnatal populations. Clinical assertions have been curated as described in Kaminsky et al. 2011.

GRCh38/hg38 16p12.2(chr16:21463739-21826230)x1

Genes: IGSF6 (immunoglobulin superfamily member 6), METTL9 (methyltransferase 9, His-X-His N1(pi)-histidine), MIR3680-1 (microRNA 3680-1), OTOA (otoancorin), LOC101927814 (uncharacterized LOC101927814) and 8 more. Cytogenetic location: 16p12.2.
Variant type: copy number loss.
Change: copy number 1 (one copy instead of two) of chr16:21,463,739-21,826,230 (362.5 kb, GRCh38 coordinates, 1-based), cytogenetic band 16p12.2.
Identifiers: ClinVar variation 161018 (VCV000161018.1).